The following is an entry in ClinVar:

ClinVar aggregate classification (germline): Uncertain significance (1 of 4 stars; one submission).

Conditions:
Duchenne muscular dystrophy (DMD). Also called: MUSCULAR DYSTROPHY, PSEUDOHYPERTROPHIC PROGRESSIVE, DUCHENNE TYPE; Duchenne Muscular Dystrophy (DMD). Identifiers: Orphanet 98896, MedGen C0013264, MONDO:0010679, OMIM 310200.

Allele frequency attached by ClinVar (database versions not stated): gnomAD exomes below 0.00001.
gnomAD v4.1: 1 of 1,208,208 alleles (0.000083%); highest among the groups gnomAD compares: Non-Finnish European, 0.00011%; no homozygotes.

Submission:

Labcorp Genetics (formerly Invitae), Labcorp
Classification: Uncertain significance for Duchenne muscular dystrophy. Last evaluated: 2022-09-19. Review status: criteria provided, single submitter. Criteria: Invitae Variant Classification Sherloc (09022015). Collection method: clinical testing. Allele origin: germline.
Comment: This sequence change replaces leucine, which is neutral and non-polar, with serine, which is neutral and polar, at codon 2344 of the DMD protein (p.Leu2344Ser). This variant is not present in population databases (gnomAD no frequency). This variant has not been reported in the literature in individuals affected with DMD-related conditions. Advanced modeling of protein sequence and biophysical properties (such as structural, functional, and spatial information, amino acid conservation, physicochemical variation, residue mobility, and thermodynamic stability) performed at Invitae indicates that this missense variant is not expected to disrupt DMD protein function. In summary, the available evidence is currently insufficient to determine the role of this variant in disease. Therefore, it has been classified as a Variant of Uncertain Significance.

NM_004006.3(DMD):c.7031T>C (p.Leu2344Ser)

Gene: DMD (dystrophin; minus strand). Cytogenetic location: Xp21.1.
Variant type: single nucleotide variant.
Coding change: c.7031T>C on transcript NM_004006.3 (MANE Select); coding-DNA position 7031, T replaced by C.
Protein change: p.Leu2344Ser; replaces leucine 2344 with serine.
Molecular consequence: missense variant. On other transcripts: 5 prime UTR variant (5).
Genome position (GRCh38, 1-based): chrX:31,875,255, A>G on the plus strand (T>C on the coding strand, the complement: DMD is on the minus strand). VCF-style: chrX-31875255-A-G. GRCh37 (hg19) VCF-style: chrX-31893372-A-G.
Other names: c.7007T>C, p.Leu2336Ser (NM_000109.4); c.7019T>C, p.Leu2340Ser (NM_004009.3); c.6662T>C, p.Leu2221Ser (NM_004010.3); c.3008T>C, p.Leu1003Ser (NM_004011.4); c.2999T>C, p.Leu1000Ser (NM_004012.4); c.-350T>C (NM_004013.3, NM_004020.4, NM_004021.3 and 2 more transcripts); short protein forms L1000S, L1003S, L2221S, L2336S, L2340S, L2344S.
Identifiers: ClinVar variation 1965680 (VCV001965680.5), dbSNP rs2149680086, ClinGen allele CA412660008.